The following is an entry in ClinVar:

ClinVar aggregate classification (germline): Uncertain significance. Review status: criteria provided, multiple submitters, no conflicts (2 of 4 stars). 3 submissions from 3 submitters: Uncertain significance (3). Last evaluated 2025-11-25.

Conditions:
Noonan syndrome 9 (NS9). Identifiers: Orphanet 648, MedGen C4225282, MONDO:0014691, OMIM 616559.
Cardiovascular phenotype. Identifiers: MedGen CN230736.

Allele frequency attached by ClinVar (database versions not stated): gnomAD 0.00001; gnomAD exomes 0.00001; ExAC 0.00002; TOPMed 0.00003; ESP Exome Variant Server 0.00008.
gnomAD v4.1: 12 of 1,607,320 alleles (0.00075%); highest among the groups gnomAD compares: Admixed American, 0.0033%; no homozygotes.

Submissions (3):

Ambry Genetics
Classification: Uncertain significance for Cardiovascular phenotype. Last evaluated: 2025-11-25. Review status: criteria provided, single submitter. Criteria: Ambry Variant Classification Scheme 2023. Collection method: clinical testing. Allele origin: germline.
Comment: The p.L914Q variant (also known as c.2741T>A), located in coding exon 17 of the SOS2 gene, results from a T to A substitution at nucleotide position 2741. The leucine at codon 914 is replaced by glutamine, an amino acid with dissimilar properties. This amino acid position is conserved. In addition, this alteration is predicted to be tolerated by in silico analysis. Since supporting evidence is limited at this time, the clinical significance of this alteration remains unclear.

Labcorp Genetics (formerly Invitae), Labcorp
Classification: Uncertain significance for Noonan syndrome 9. Last evaluated: 2025-11-06. Review status: criteria provided, single submitter. Criteria: Invitae Variant Classification Sherloc (09022015). Collection method: clinical testing. Allele origin: germline.
Comment: This sequence change replaces leucine, which is neutral and non-polar, with glutamine, which is neutral and polar, at codon 914 of the SOS2 protein (p.Leu914Gln). This variant is present in population databases (rs376313150, gnomAD 0.002%). This variant has not been reported in the literature in individuals affected with SOS2-related conditions. ClinVar contains an entry for this variant (Variation ID: 1795443). Invitae Evidence Modeling of protein sequence and biophysical properties (such as structural, functional, and spatial information, amino acid conservation, physicochemical variation, residue mobility, and thermodynamic stability) indicates that this missense variant is not expected to disrupt SOS2 protein function with a negative predictive value of 95%. In summary, the available evidence is currently insufficient to determine the role of this variant in disease. Therefore, it has been classified as a Variant of Uncertain Significance.

CeGaT Center for Human Genetics Tuebingen
Classification: Uncertain significance. Last evaluated: 2025-05-01. Review status: criteria provided, single submitter. Criteria: CeGaT Center For Human Genetics Tuebingen Variant Classification Criteria Version 2. Collection method: clinical testing. Allele origin: germline. Affected: yes. Observed: 1 variant allele.

NM_006939.4(SOS2):c.2741T>A (p.Leu914Gln)

Gene: SOS2 (SOS Ras/Rho guanine nucleotide exchange factor 2; minus strand). Cytogenetic location: 14q21.3.
Variant type: single nucleotide variant.
Coding change: c.2741T>A on transcript NM_006939.4 (MANE Select); coding-DNA position 2741, T replaced by A.
Protein change: p.Leu914Gln; replaces leucine 914 with glutamine.
Molecular consequence: missense variant.
Genome position (GRCh38, 1-based): chr14:50,139,986, A>T on the plus strand (T>A on the coding strand, the complement: SOS2 is on the minus strand). VCF-style: chr14-50139986-A-T. GRCh37 (hg19) VCF-style: chr14-50606704-A-T.
Other names: c.2642T>A, p.Leu881Gln (NM_001411020.1); short protein forms L881Q, L914Q.
Identifiers: ClinVar variation 1795443 (VCV001795443.15), dbSNP rs376313150, ClinGen allele CA7176960.